The following is an entry in ClinVar:

NM_000019.4(ACAT1):c.733C>T (p.Gln245Ter)

Gene: ACAT1 (acetyl-CoA acetyltransferase 1; plus strand). Cytogenetic location: 11q22.3.
Variant type: single nucleotide variant.
Coding change: c.733C>T on transcript NM_000019.4 (MANE Select); coding-DNA position 733, C replaced by T.
Protein change: p.Gln245Ter; replaces glutamine 245 with a stop codon.
Molecular consequence: nonsense. On other transcripts: non-coding transcript variant (2).
Genome position (GRCh38, 1-based): chr11:108,141,607, C>T. VCF-style: chr11-108141607-C-T. GRCh37 (hg19) VCF-style: chr11-108012334-C-T.
Other names: c.463C>T, p.Gln155Ter (NM_001386682.1, NM_001386685.1, NM_001386686.1 and 6 more transcripts); c.733C>T, p.Gln245Ter (NM_001386677.1); c.418C>T, p.Gln140Ter (NM_001386678.1); c.436C>T, p.Gln146Ter (NM_001386679.1); short protein forms Q146*, Q245*, Q155*, Q140*.
Identifiers: ClinVar variation 1459493 (VCV001459493.9), dbSNP rs2134768525, ClinGen allele CA382507721.
Genomic context (GRCh38, chr11:108,141,607, plus strand): 5'-TTGCTTGCTGAATGACTACTTGTTTTGAGCGATTTTACTTAAAATATTTTTATTTTAGGT[C>T]AACCAGATGTAGTGGTGAAAGAAGATGAAGAATATAAACGTGTTGATTTTAGCAAAGTTC-3'

ClinVar aggregate classification (germline): Pathogenic/Likely pathogenic. Review status: criteria provided, multiple submitters, no conflicts (2 of 4 stars). 4 submissions from 4 submitters: Pathogenic (2); Likely pathogenic (2). Last evaluated 2024-06-20.

Conditions:
Deficiency of acetyl-CoA acetyltransferase. Also called: 3-KETOTHIOLASE DEFICIENCY; 3-OXOTHIOLASE DEFICIENCY; Beta-ketothiolase deficiency; MITOCHONDRIAL ACETOACETYL-CoA THIOLASE DEFICIENCY. Identifiers: Orphanet 134, MedGen C1536500, MONDO:0008760, OMIM 203750. Disease mechanism: loss of function.

Submissions (4):

Myriad Genetics, Inc.
Classification: Pathogenic for Deficiency of acetyl-CoA acetyltransferase. Last evaluated: 2024-06-20. Review status: criteria provided, single submitter. Criteria: Myriad Autosomal Dominant, Autosomal Recessive and X-Linked Classification Criteria (2023). Collection method: clinical testing. Allele origin: unknown.
Comment: NM_000019.3(ACAT1):c.733C>T(Q245*) is expected to be pathogenic in the context of beta-ketothiolase deficiency. This variant is predicted to lead to an abnormal or absent protein product due to the creation of a premature termination codon in ACAT1, a gene where loss-of-function variants are known to be pathogenic. Please note: this variant was assessed in the context of healthy population screening.

Fulgent Genetics
Classification: Likely pathogenic for Deficiency of acetyl-CoA acetyltransferase. Last evaluated: 2024-04-02. Review status: criteria provided, single submitter. Criteria: ACMG Guidelines, 2015. Collection method: clinical testing. Allele origin: germline.

Labcorp Genetics (formerly Invitae), Labcorp
Classification: Pathogenic for Deficiency of acetyl-CoA acetyltransferase. Last evaluated: 2023-07-06. Review status: criteria provided, single submitter. Criteria: Invitae Variant Classification Sherloc (09022015). Collection method: clinical testing. Allele origin: germline.
Comment: This sequence change creates a premature translational stop signal (p.Gln245*) in the ACAT1 gene. It is expected to result in an absent or disrupted protein product. Loss-of-function variants in ACAT1 are known to be pathogenic (PMID: 7749408). This variant is not present in population databases (gnomAD no frequency). This variant has not been reported in the literature in individuals affected with ACAT1-related conditions. ClinVar contains an entry for this variant (Variation ID: 1459493). For these reasons, this variant has been classified as Pathogenic.

Baylor Genetics
Classification: Likely pathogenic for Deficiency of acetyl-CoA acetyltransferase. Last evaluated: 2023-04-06. Review status: criteria provided, single submitter. Criteria: ACMG Guidelines, 2015. Collection method: clinical testing. Allele origin: unknown.

Literature cited by the submitters: PubMed 7749408 (cited by Labcorp Genetics (formerly Invitae), Labcorp).